The following is an entry in ClinVar:

NM_020762.4(SRGAP1):c.1943A>G (p.Asn648Ser)

Gene: SRGAP1 (SLIT-ROBO Rho GTPase activating protein 1; plus strand). Cytogenetic location: 12q14.2.
Variant type: single nucleotide variant.
Coding change: c.1943A>G on transcript NM_020762.4 (MANE Select); coding-DNA position 1943, A replaced by G.
Protein change: p.Asn648Ser; replaces asparagine 648 with serine.
Molecular consequence: missense variant.
Genome position (GRCh38, 1-based): chr12:64,111,785, A>G. VCF-style: chr12-64111785-A-G. GRCh37 (hg19) VCF-style: chr12-64505565-A-G.
Other names: c.1874A>G, p.Asn625Ser (NM_001346201.2); short protein forms N625S, N648S.
Identifiers: ClinVar variation 4279598 (VCV004279598.1).

ClinVar aggregate classification (germline): Uncertain significance (1 of 4 stars; one submission).

Conditions:
Thyroid cancer, nonmedullary, 2 (NMTC2). Also called: Thyroid carcinoma, follicular, somatic; THYROID CANCER, NONMEDULLARY, 2, SUSCEPTIBILITY TO; THYROID CARCINOMA, FOLLICULAR. Identifiers: MedGen C4225426, MONDO:0008566, OMIM 188470.

gnomAD v4.1: 2 of 1,613,872 alleles (0.00012%); highest among the groups gnomAD compares: South Asian, 0.0022%; no homozygotes.

Submission:

Diagnostics Services (NGS), CSIR - Centre For Cellular And Molecular Biology
Classification: Uncertain significance for Thyroid cancer, nonmedullary, 2. Last evaluated: 2025-09-01. Review status: criteria provided, single submitter. Criteria: ACMG Guidelines, 2015. Collection method: clinical testing. Allele origin: germline. Affected: yes. Observed: 1 variant allele, 1 heterozygote.
Comment: The c.1943A>G variant is not present in publicly available population databases like 1000 Genomes, EVS, gnomAD, Indian Exome Database or our internal database. This variant has neither been published in the literature for SRGAP1-related conditions nor reported to clinical databases like Human Genome Mutation Database (HGMD), ClinVar or OMIM in any affected individuals. In-silico pathogenicity prediction programs like SIFT, Polyphen-2, MutationTaster2021, CADD, InterVar etc predicted this variant to be likely deleterious however these predictions were not confirmed by published functional/translational studies.